The following is an entry in ClinVar:

ClinVar aggregate classification (germline): Uncertain significance (1 of 4 stars; one submission).

Conditions:
Gorlin syndrome. Also called: Nevoid Basal Cell Carcinoma Syndrome; Basal cell nevus syndrome. Identifiers: Orphanet 377, MedGen C0004779, MONDO:0007187.

Allele frequency attached by ClinVar (database versions not stated): ExAC 0.00002; ESP Exome Variant Server 0.00008.

Submission:

Labcorp Genetics (formerly Invitae), Labcorp
Classification: Uncertain significance for Gorlin syndrome. Last evaluated: 2023-03-31. Review status: criteria provided, single submitter. Criteria: Invitae Variant Classification Sherloc (09022015). Collection method: clinical testing. Allele origin: germline.
Comment: In summary, the available evidence is currently insufficient to determine the role of this variant in disease. Therefore, it has been classified as a Variant of Uncertain Significance. Algorithms developed to predict the effect of sequence changes on RNA splicing suggest that this variant may disrupt the consensus splice site. Advanced modeling of protein sequence and biophysical properties (such as structural, functional, and spatial information, amino acid conservation, physicochemical variation, residue mobility, and thermodynamic stability) performed at Invitae indicates that this missense variant is not expected to disrupt PTCH2 protein function. This variant has not been reported in the literature in individuals affected with PTCH2-related conditions. This variant is present in population databases (rs373424626, gnomAD 0.002%). This sequence change replaces serine, which is neutral and polar, with asparagine, which is neutral and polar, at codon 394 of the PTCH2 protein (p.Ser394Asn).

NM_003738.5(PTCH2):c.1181G>A (p.Ser394Asn)

Gene: PTCH2 (patched 2; minus strand). Cytogenetic location: 1p34.1.
Variant type: single nucleotide variant.
Coding change: c.1181G>A on transcript NM_003738.5 (MANE Select); coding-DNA position 1181, G replaced by A.
Protein change: p.Ser394Asn; replaces serine 394 with asparagine.
Molecular consequence: missense variant.
Genome position (GRCh38, 1-based): chr1:44,829,436, C>T on the plus strand (G>A on the coding strand, the complement: PTCH2 is on the minus strand). VCF-style: chr1-44829436-C-T. GRCh37 (hg19) VCF-style: chr1-45295108-C-T.
Other names: c.1181G>A, p.Ser394Asn (NM_001166292.2); short protein forms S394N.
Identifiers: ClinVar variation 2721710 (VCV002721710.3), dbSNP rs373424626, ClinGen allele CA823403.